The following is an entry in ClinVar:

NM_015102.5(NPHP4):c.3423C>G (p.Leu1141=)

Gene: NPHP4 (nephrocystin 4; minus strand). Cytogenetic location: 1p36.31.
Variant type: single nucleotide variant.
Coding change: c.3423C>G on transcript NM_015102.5 (MANE Select); coding-DNA position 3423, C replaced by G.
Protein change: p.Leu1141=; no amino-acid change (leucine 1141 retained).
Molecular consequence: synonymous variant. On other transcripts: non-coding transcript variant (1).
Genome position (GRCh38, 1-based): chr1:5,867,789, G>C on the plus strand (C>G on the coding strand, the complement: NPHP4 is on the minus strand). VCF-style: chr1-5867789-G-C. GRCh37 (hg19) VCF-style: chr1-5927849-G-C.
Other names: c.1884C>G, p.Leu628= (NM_001291593.2); c.1887C>G, p.Leu629= (NM_001291594.2).
Identifiers: ClinVar variation 3032777 (VCV003032777.2), dbSNP rs1180640290, ClinGen allele CA415788356.

ClinVar aggregate classification (germline): Likely benign (0 of 4 stars; one submission).

Conditions:
NPHP4-related disorder. Also called: NPHP4-related condition; NPHP4-related disorders. Identifiers: MedGen CN239384.

Allele frequency attached by ClinVar (database versions not stated): gnomAD exomes below 0.00001.
gnomAD v4.1: 1 of 1,612,618 alleles (0.000062%); highest among the groups gnomAD compares: East Asian, 0.0022%; no homozygotes.

Submission:

PreventionGenetics, part of Exact Sciences
Classification: Likely benign for NPHP4-related condition. Last evaluated: 2020-11-03. Review status: no assertion criteria provided. Collection method: clinical testing. Allele origin: germline.
Comment: This variant is classified as likely benign based on ACMG/AMP sequence variant interpretation guidelines (Richards et al. 2015 PMID: 25741868, with internal and published modifications).